The following is an entry in ClinVar:

NM_004577.4(PSPH):c.570+3A>G

Gene: PSPH (phosphoserine phosphatase; minus strand). Cytogenetic location: 7p11.2.
Variant type: single nucleotide variant.
Coding change: c.570+3A>G on transcript NM_004577.4 (MANE Select); 3 bases into the intron after coding-DNA position 570, A replaced by G.
Molecular consequence: intron variant.
Genome position (GRCh38, 1-based): chr7:56,015,020, T>C on the plus strand (A>G on the coding strand, the complement: PSPH is on the minus strand). VCF-style: chr7-56015020-T-C. GRCh37 (hg19) VCF-style: chr7-56082713-T-C.
Other names: c.570+3A>G (NM_001370513.1, NM_001370514.1, NM_001370509.1 and 17 more transcripts).
Identifiers: ClinVar variation 4769773 (VCV004769773.2).

ClinVar aggregate classification (germline): Uncertain significance. Review status: criteria provided, multiple submitters, no conflicts (2 of 4 stars). 2 submissions from 2 submitters: Uncertain significance (2). Last evaluated 2025-07-09.

Conditions:
Deficiency of phosphoserine phosphatase (PSPHD). Also called: Phosphoserine phosphatase deficiency; PSPH deficiency. Identifiers: Orphanet 79350, MedGen C1291463, MONDO:0013531, OMIM 614023.

gnomAD v4.1: 1 of 1,613,742 alleles (0.000062%); highest among the groups gnomAD compares: Non-Finnish European, 0.000085%; no homozygotes.

Submissions (2):

Labcorp Genetics (formerly Invitae), Labcorp
Classification: Uncertain significance for Deficiency of phosphoserine phosphatase. Last evaluated: 2025-07-09. Review status: criteria provided, single submitter. Criteria: Invitae Variant Classification Sherloc (09022015). Collection method: clinical testing. Allele origin: germline.
Comment: This sequence change falls in intron 7 of the PSPH gene. It does not directly change the encoded amino acid sequence of the PSPH protein. It affects a nucleotide within the consensus splice site. This variant is not present in population databases (gnomAD no frequency). This variant has not been reported in the literature in individuals affected with PSPH-related conditions. Variants that disrupt the consensus splice site are a relatively common cause of aberrant splicing (PMID: 17576681, 9536098). Algorithms developed to predict the effect of sequence changes on RNA splicing suggest that this variant may disrupt the consensus splice site. In summary, the available evidence is currently insufficient to determine the role of this variant in disease. Therefore, it has been classified as a Variant of Uncertain Significance.

Blueprint Genetics
Classification: Uncertain significance. Last evaluated: 2024-10-10. Review status: criteria provided, single submitter. Criteria: ACMG Guidelines, 2015. Collection method: clinical testing. Allele origin: germline.

Literature cited by the submitters: PubMed 17576681 (cited by Labcorp Genetics (formerly Invitae), Labcorp); PubMed 9536098 (cited by Labcorp Genetics (formerly Invitae), Labcorp).